The following is an entry in ClinVar:

ClinVar aggregate classification (germline): Pathogenic (1 of 4 stars; one submission).

Conditions:
Neurofibromatosis, type 1 (NF1). Also called: VON RECKLINGHAUSEN DISEASE; NEUROFIBROMATOSIS, TYPE I, SOMATIC; Peripheral type neurofibromatosis; Neurofibromatosis, type I. Identifiers: Orphanet 636, MedGen C0027831, MONDO:0018975, OMIM 162200. Disease mechanism: loss of function.

Submission:

Labcorp Genetics (formerly Invitae), Labcorp
Classification: Pathogenic for Neurofibromatosis, type 1. Last evaluated: 2024-10-30. Review status: criteria provided, single submitter. Criteria: Invitae Variant Classification Sherloc (09022015). Collection method: clinical testing. Allele origin: germline.
Comment: This sequence change creates a premature translational stop signal (p.His1316Cysfs*2) in the NF1 gene. It is expected to result in an absent or disrupted protein product. Loss-of-function variants in NF1 are known to be pathogenic (PMID: 10712197, 23913538). This variant is not present in population databases (gnomAD no frequency). This variant has not been reported in the literature in individuals affected with NF1-related conditions. For these reasons, this variant has been classified as Pathogenic.

Literature cited by the submitters: PubMed 10712197; PubMed 23913538.

NM_001042492.3(NF1):c.3946_3947del (p.His1316fs)

Gene: NF1 (neurofibromin 1; plus strand). Cytogenetic location: 17q11.2.
Variant type: Deletion.
Coding change: c.3946_3947del on transcript NM_001042492.3 (MANE Select); coding-DNA positions 3946 to 3947, 2 bases deleted (CA; older notation c.3946_3947delCA).
Protein change: p.His1316fs; shifts the reading frame from histidine 1316.
Molecular consequence: frameshift variant.
Genome position (GRCh38, 1-based): chr17:31,235,993-31,235,994, CA deleted; deleting any 2 consecutive bases within chr17:31,235,992-31,235,994 gives the same sequence; the c. name uses the placement nearest the transcript's 3' end. VCF-style (leftmost placement, unchanged base first): chr17-31235991-AAC-A. GRCh37 (hg19) VCF-style: chr17-29563009-AAC-A.
Other names: c.3946_3947delCA, p.His1316Cysfs (NM_000267.4); short protein forms H1316fs.
Identifiers: ClinVar variation 3724166 (VCV003724166.2).